The following is an entry in ClinVar:

NM_022458.4(LMBR1):c.*2905T>A

Gene: LMBR1 (limb development membrane protein 1; minus strand). Cytogenetic location: 7q36.3.
Variant type: single nucleotide variant.
Coding change: c.*2905T>A on transcript NM_022458.4 (MANE Select); 2905 bases downstream of the stop codon, T replaced by A.
Molecular consequence: 3 prime UTR variant. On other transcripts: non-coding transcript variant (1).
Genome position (GRCh38, 1-based): chr7:156,681,173, A>T on the plus strand (T>A on the coding strand, the complement: LMBR1 is on the minus strand). VCF-style: chr7-156681173-A-T. GRCh37 (hg19) VCF-style: chr7-156473867-A-T.
Other names: c.*2905T>A (NM_001350953.2, NM_001350954.2, NM_001350955.2 and 8 more transcripts).
Identifiers: ClinVar variation 359371 (VCV000359371.5), dbSNP rs574914124, ClinGen allele CA4587717.

ClinVar aggregate classification (germline): Benign (1 of 4 stars; one submission).

Conditions:
Polydactyly of a triphalangeal thumb. Also called: POLYDACTYLY OF TRIPHALANGEAL THUMB; TRIPHALANGEAL THUMB-POLYDACTYLY SYNDROME; Polydactyly, preaxial type II. Identifiers: Orphanet 2439, Orphanet 2950, Orphanet 93336, MedGen C1868114, MONDO:0008270, OMIM 174500.

Allele frequency attached by ClinVar (database versions not stated): ExAC 0.00014; gnomAD 0.00025 and 0.00030; gnomAD exomes 0.00027 and 0.00063; TOPMed 0.00035; 1000 Genomes Project 0.00080; 1000 Genomes Project 30x 0.00094.
gnomAD v4.1: 123 of 454,234 alleles (0.027%); highest among the groups gnomAD compares: East Asian, 0.83%; 1 homozygote.

Submission:

Illumina Laboratory Services, Illumina
Classification: Benign for Polydactyly of a triphalangeal thumb. Last evaluated: 2018-01-13. Review status: criteria provided, single submitter. Criteria: ICSL Variant Classification Criteria 13 December 2019. Collection method: clinical testing. Allele origin: germline.
Comment: This variant was observed in the ICSL laboratory as part of a predisposition screen in an ostensibly healthy population. It had not been previously curated by ICSL or reported in the Human Gene Mutation Database (HGMD: prior to June 1st, 2018), and was therefore a candidate for classification through an automated scoring system. Utilizing variant allele frequency, disease prevalence and penetrance estimates, and inheritance mode, an automated score was calculated to assess if this variant is too frequent to cause the disease. Based on the score and internal cut-off values, a variant classified as benign is not then subjected to further curation. The score for this variant resulted in a classification of benign for this disease.